The following is an entry in ClinVar:

ClinVar aggregate classification (germline): Uncertain significance. Review status: criteria provided, single submitter (1 of 4 stars). 3 submissions from 3 submitters: Uncertain significance (1). 2 of the submissions do not count toward it. Last evaluated 2023-01-07.

Conditions:
Fanconi anemia complementation group A (FANCA). Also called: Fanconi anemia, group A; FANCA-Related Fanconi Anemia. Identifiers: Orphanet 84, MedGen C3469521, MONDO:0009215, OMIM 227650.
Fanconi anemia (FA). Also called: Fanconi's anemia. Identifiers: Orphanet 84, MedGen C0015625, MeSH D005199, MONDO:0019391.

gnomAD v4.1: 6 of 1,613,596 alleles (0.00037%); highest among the groups gnomAD compares: Non-Finnish European, 0.00042%; no homozygotes.

Submissions (3):

Labcorp Genetics (formerly Invitae), Labcorp
Classification: Uncertain significance for Fanconi anemia. Last evaluated: 2023-01-07. Review status: criteria provided, single submitter. Criteria: Invitae Variant Classification Sherloc (09022015). Collection method: clinical testing. Allele origin: germline.
Comment: In summary, the available evidence is currently insufficient to determine the role of this variant in disease. Therefore, it has been classified as a Variant of Uncertain Significance. Experimental studies and prediction algorithms are not available or were not evaluated, and the functional significance of this variant is currently unknown. ClinVar contains an entry for this variant (Variation ID: 557781). This variant has not been reported in the literature in individuals affected with FANCA-related conditions. This variant is present in population databases (no rsID available, gnomAD 0.0009%). This sequence change creates a premature translational stop signal (p.Gln1440*) in the FANCA gene. While this is not anticipated to result in nonsense mediated decay, it is expected to disrupt the last 16 amino acid(s) of the FANCA protein.

Natera, Inc.
Classification: Uncertain significance for Fanconi anemia. Last evaluated: 2020-01-16. Review status: no assertion criteria provided. Collection method: clinical testing. Allele origin: germline. Not counted in ClinVar's aggregate classification.

Counsyl
Classification: Uncertain significance for Fanconi anemia complementation group A. Last evaluated: 2018-04-11. Review status: no assertion criteria provided. Collection method: clinical testing. Allele origin: unknown. Not counted in ClinVar's aggregate classification.

NM_000135.4(FANCA):c.4318C>T (p.Gln1440Ter)

Genes: ZNF276 (zinc finger protein 276; plus strand), FANCA (FA complementation group A; minus strand). Cytogenetic location: 16q24.3.
Variant type: single nucleotide variant.
Coding change: c.4318C>T on transcript NM_000135.4 (MANE Select); coding-DNA position 4318, C replaced by T.
Protein change: p.Gln1440Ter; replaces glutamine 1440 with a stop codon.
Molecular consequence: nonsense. On other transcripts: 3 prime UTR variant (3), non-coding transcript variant (4).
Genome position (GRCh38, 1-based): chr16:89,738,651, G>A on the plus strand (C>T on the coding strand, the complement: FANCA is on the minus strand). VCF-style: chr16-89738651-G-A. GRCh37 (hg19) VCF-style: chr16-89805059-G-A.
Other names: c.*47C>T (NM_001286167.3); c.*405G>A (NM_001113525.2, NM_152287.4); short protein forms Q1440*.
Identifiers: ClinVar variation 557781 (VCV000557781.11), dbSNP rs767234774, ClinGen allele CA397483049.